The following is an entry in ClinVar:

ClinVar aggregate classification (germline): Conflicting classifications of pathogenicity. Review status: criteria provided, conflicting classifications (1 of 4 stars). 2 submissions from 2 submitters: Uncertain significance (1); Likely benign (1). Last evaluated 2024-07-24.

Conditions:
Inborn genetic diseases. Identifiers: MedGen C0950123, MeSH D030342.
Cornelia de Lange syndrome 1 (CDLS1). Also called: Brachmann de Lange syndrome; TYPUS DEGENERATIVUS AMSTELODAMENSIS; NIPBL-Related Cornelia de Lange Syndrome. Identifiers: Orphanet 199, MedGen C4551851, MONDO:0007387, OMIM 122470.

Allele frequency attached by ClinVar (database versions not stated): gnomAD 0.00002; TOPMed 0.00003; gnomAD exomes 0.00004.
gnomAD v4.1: 59 of 1,613,790 alleles (0.0037%); highest among the groups gnomAD compares: Non-Finnish European, 0.0047%; no homozygotes.

Submissions (2):

Labcorp Genetics (formerly Invitae), Labcorp
Classification: Uncertain significance for Cornelia de Lange syndrome 1. Last evaluated: 2024-07-24. Review status: criteria provided, single submitter. Criteria: Invitae Variant Classification Sherloc (09022015). Collection method: clinical testing. Allele origin: germline.
Comment: This sequence change replaces serine, which is neutral and polar, with glycine, which is neutral and non-polar, at codon 850 of the NIPBL protein (p.Ser850Gly). This variant is present in population databases (no rsID available, gnomAD 0.004%). This variant has not been reported in the literature in individuals affected with NIPBL-related conditions. ClinVar contains an entry for this variant (Variation ID: 2457950). Advanced modeling of protein sequence and biophysical properties (such as structural, functional, and spatial information, amino acid conservation, physicochemical variation, residue mobility, and thermodynamic stability) performed at Invitae indicates that this missense variant is not expected to disrupt NIPBL protein function with a negative predictive value of 95%. In summary, the available evidence is currently insufficient to determine the role of this variant in disease. Therefore, it has been classified as a Variant of Uncertain Significance.

Ambry Genetics
Classification: Likely benign for Inborn genetic diseases. Last evaluated: 2023-02-22. Review status: criteria provided, single submitter. Criteria: Ambry Variant Classification Scheme 2023. Collection method: clinical testing. Allele origin: germline.

NM_133433.4(NIPBL):c.2548A>G (p.Ser850Gly)

Gene: NIPBL (NIPBL cohesin loading factor; plus strand). Cytogenetic location: 5p13.2.
Variant type: single nucleotide variant.
Coding change: c.2548A>G on transcript NM_133433.4 (MANE Select); coding-DNA position 2548, A replaced by G.
Protein change: p.Ser850Gly; replaces serine 850 with glycine.
Molecular consequence: missense variant.
Genome position (GRCh38, 1-based): chr5:36,985,728, A>G. VCF-style: chr5-36985728-A-G. GRCh37 (hg19) VCF-style: chr5-36985830-A-G.
Other names: c.2548A>G, p.Ser850Gly (NM_015384.5); short protein forms S850G.
Identifiers: ClinVar variation 2457950 (VCV002457950.4), dbSNP rs975779242, ClinGen allele CA117044787.